The following is an entry in ClinVar:

NM_001042492.3(NF1):c.8168A>G (p.Gln2723Arg)

Gene: NF1 (neurofibromin 1; plus strand). Cytogenetic location: 17q11.2.
Variant type: single nucleotide variant.
Coding change: c.8168A>G on transcript NM_001042492.3 (MANE Select); coding-DNA position 8168, A replaced by G.
Protein change: p.Gln2723Arg; replaces glutamine 2723 with arginine.
Molecular consequence: missense variant.
Genome position (GRCh38, 1-based): chr17:31,360,494, A>G. VCF-style: chr17-31360494-A-G. GRCh37 (hg19) VCF-style: chr17-29687512-A-G.
Other names: c.8105A>G, p.Gln2702Arg (NM_000267.4); short protein forms Q2702R, Q2723R.
Identifiers: ClinVar variation 5025518 (VCV005025518.1).
Genomic context (GRCh38, chr17:31,360,494, plus strand): 5'-GGGGATTTACTTAAAAAAAAGGAACTAAAATAATTTCCTATTTTCCATTACAGCAAACAC[A>G]AATTCCAGACTATGCTGAGCTTATTGTTAAGTTTCTTGATGCCTTGATTGACACGTACCT-3'
Protein context (NP_001035957.1, residues 2713-2733): RFAGPFSKQT[Gln2723Arg]IPDYAELIVK

ClinVar aggregate classification (germline): Uncertain significance (1 of 4 stars; one submission).

Conditions:
Cardiovascular phenotype. Identifiers: MedGen CN230736.
Hereditary cancer-predisposing syndrome. Also called: Neoplastic Syndromes, Hereditary; Tumor predisposition; Hereditary neoplastic syndrome; Hereditary Cancer Syndrome. Identifiers: Orphanet 140162, MedGen C0027672, MeSH D009386, MONDO:0015356.

Submission:

Ambry Genetics
Classification: Uncertain significance for Cardiovascular phenotype; Hereditary cancer-predisposing syndrome. Last evaluated: 2026-08-06. Review status: criteria provided, single submitter. Criteria: Ambry Variant Classification Scheme 2023. Collection method: clinical testing. Allele origin: germline.
Comment: The p.Q2702R variant (also known as c.8105A>G), located in coding exon 56 of the NF1 gene, results from an A to G substitution at nucleotide position 8105. The glutamine at codon 2702 is replaced by arginine, an amino acid with highly similar properties. This amino acid position is conserved. In addition, this alteration is predicted to be tolerated by in silico analysis. This variant has been reclassified from a variant of unknown significance to likely benign based on updated recommendations for interpretation of in silico models (Pejaver V et al. Am J Hum Genet. 2022 Dec 1;109(12):2163-2177).